The following is an entry in ClinVar:

NM_001142800.2(EYS):c.7898+1G>A

Gene: EYS (EGF-like photoreceptor maintenance factor; minus strand). Cytogenetic location: 6q12.
Variant type: single nucleotide variant.
Coding change: c.7898+1G>A on transcript NM_001142800.2 (MANE Select); the canonical splice donor site of the intron after coding-DNA position 7898, G replaced by A.
Molecular consequence: splice donor variant.
Genome position (GRCh38, 1-based): chr6:63,778,005, C>T on the plus strand (G>A on the coding strand, the complement: EYS is on the minus strand). VCF-style: chr6-63778005-C-T. GRCh37 (hg19) VCF-style: chr6-64487898-C-T.
Other names: c.7898+1G>A (NM_001292009.2, NM_001142800.1).
Identifiers: ClinVar variation 1509854 (VCV001509854.9), dbSNP rs1206861190, ClinGen allele CA364390394.

ClinVar aggregate classification (germline): Likely pathogenic. Review status: criteria provided, multiple submitters, no conflicts (2 of 4 stars). 2 submissions from 2 submitters: Likely pathogenic (2). Last evaluated 2024-09-03.

Conditions:
Retinitis pigmentosa 25 (RP25). Identifiers: Orphanet 791, MedGen C1864446, MONDO:0011272, OMIM 602772.

Submissions (2):

Natera, Inc.
Classification: Likely pathogenic for Retinitis pigmentosa type 25. Last evaluated: 2024-09-03. Review status: criteria provided, single submitter. Criteria: Natera Variant Classification Schema (03/2026). Collection method: clinical testing. Allele origin: germline.
Comment: The c.7898+1G>A variant in EYS is a canonical splice donor site variant predicted to affect pre-mRNA splicing, which may result in an abnormal transcript and altered protein product. This variant is expected to result in nonsense mediated decay, truncation, or a dysfunctional protein product. This variant is rare in the general population with a frequency below the threshold expected for the associated phenotype(s). Given the available evidence, this variant is classified as Likely Pathogenic.

Labcorp Genetics (formerly Invitae), Labcorp
Classification: Likely pathogenic. Last evaluated: 2021-02-20. Review status: criteria provided, single submitter. Criteria: Invitae Variant Classification Sherloc (09022015). Collection method: clinical testing. Allele origin: germline.
Comment: This variant is not present in population databases (ExAC no frequency). This sequence change affects a donor splice site in intron 40 of the EYS gene. It is expected to disrupt RNA splicing. Variants that disrupt the donor or acceptor splice site typically lead to a loss of protein function (PMID: 16199547), and loss-of-function variants in EYS are known to be pathogenic (PMID: 18836446, 20333770). This variant has not been reported in the literature in individuals with EYS-related conditions. Algorithms developed to predict the effect of sequence changes on RNA splicing suggest that this variant may disrupt the consensus splice site, but this prediction has not been confirmed by published transcriptional studies. In summary, the currently available evidence indicates that the variant is pathogenic, but additional data are needed to prove that conclusively. Therefore, this variant has been classified as Likely Pathogenic.

Literature cited by the submitters: PubMed 16199547 (cited by Labcorp Genetics (formerly Invitae), Labcorp); PubMed 18836446 (cited by Labcorp Genetics (formerly Invitae), Labcorp); PubMed 20333770 (cited by Labcorp Genetics (formerly Invitae), Labcorp).